The following is an entry in ClinVar:

NM_001114753.3(ENG):c.981del (p.Ser328fs)

Gene: ENG (endoglin; minus strand). Cytogenetic location: 9q34.11.
Variant type: Deletion.
Coding change: c.981del on transcript NM_001114753.3 (MANE Select); coding-DNA position 981, one base deleted (C; older notation c.981delC).
Protein change: p.Ser328fs; shifts the reading frame from serine 328.
Molecular consequence: frameshift variant.
Genome position (GRCh38, 1-based): chr9:127,824,810, G deleted on the plus strand (C on the coding strand, the reverse complement: ENG is on the minus strand); the first of 2 consecutive G bases (chr9:127,824,810-127,824,811); deleting either gives the same sequence. VCF-style (leftmost placement, unchanged base first): chr9-127824809-AG-A. GRCh37 (hg19) VCF-style: chr9-130587088-AG-A.
Other names: c.435del, p.Ser146fs (NM_001278138.2); c.981del, p.Ser328fs (NM_001406715.1, NM_000118.4); c.981del (NM_000118.3); c.980delC, p.Ser328Profs (NM_000118.3); short protein forms S328fs, S146fs.
Identifiers: ClinVar variation 4722179 (VCV004722179.2).

ClinVar aggregate classification (germline): Pathogenic/Likely pathogenic. Review status: criteria provided, multiple submitters, no conflicts (2 of 4 stars). 2 submissions from 2 submitters: Pathogenic (1); Likely pathogenic (1). Last evaluated 2025-06-27.

Conditions:
Hereditary hemorrhagic telangiectasia (HHT). Also called: ORW DISEASE; Osler Weber Rendu syndrome; OSLER-RENDU-WEBER DISEASE; Osler hemorrhagic telangiectasia syndrome. Identifiers: Orphanet 774, MedGen C0039445, MONDO:0019180. Disease mechanism: loss of function.

Submissions (2):

Labcorp Genetics (formerly Invitae), Labcorp
Classification: Pathogenic for Hereditary hemorrhagic telangiectasia. Last evaluated: 2025-06-27. Review status: criteria provided, single submitter. Criteria: Invitae Variant Classification Sherloc (09022015). Collection method: clinical testing. Allele origin: germline.
Comment: This sequence change creates a premature translational stop signal (p.Ser328Profs*31) in the ENG gene. It is expected to result in an absent or disrupted protein product. Loss-of-function variants in ENG are known to be pathogenic (PMID: 15879500). This variant is present in population databases (rs773978749, gnomAD 0.004%). This variant has not been reported in the literature in individuals affected with ENG-related conditions. For these reasons, this variant has been classified as Pathogenic.

Genetic Services Laboratory, University of Chicago
Classification: Likely pathogenic. Last evaluated: 2025-01-06. Review status: criteria provided, single submitter. Criteria: ACMG Guidelines, 2015. Collection method: clinical testing. Allele origin: germline.
Comment: DNA sequence analysis of the ENG gene demonstrated a single base pair deletion in exon 7, c.981del. This sequence change results in an amino acid frameshift and creates a premature stop codon 30 amino acids downstream of the change, p.Ser328Profs*31. This sequence change is predicted to result in an abnormal transcript, which may be degraded, or may lead to the production of a truncated ENG protein with potentially abnormal function. This sequence change has been described in the gnomAD database with a frequency of 0.0018% (dbSNP rs773978749 ). While this deletion has not previously been described in the literature, other truncating variants in the ENG gene have been described in several individuals with ENG-related disorders (PMID: 15879500, 17384219, 34872578). This sequence change likely pathogenic, however functional studies have not been performed to prove this conclusively.

Literature cited by the submitters: PubMed 15879500 (cited by Labcorp Genetics (formerly Invitae), Labcorp).